The following is an entry in ClinVar:

NM_001164508.2(NEB):c.78G>A (p.Glu26=)

Gene: NEB (nebulin; minus strand). Cytogenetic location: 2q23.3.
Variant type: single nucleotide variant.
Coding change: c.78G>A on transcript NM_001164508.2 (MANE Select); coding-DNA position 78, G replaced by A.
Protein change: p.Glu26=; no amino-acid change (glutamic acid 26 retained).
Molecular consequence: synonymous variant.
Genome position (GRCh38, 1-based): chr2:151,729,615, C>T on the plus strand (G>A on the coding strand, the complement: NEB is on the minus strand). VCF-style: chr2-151729615-C-T. GRCh37 (hg19) VCF-style: chr2-152586129-C-T.
Other names: c.78G>A, p.Glu26= (NM_001164507.2, NM_001271208.2, NM_004543.5).
Identifiers: ClinVar variation 534032 (VCV000534032.1), dbSNP rs1553702617, ClinGen allele CA429233983.
Genomic context (GRCh38, chr2:151,729,615, plus strand): 5'-GAGAAAGCTCTTCCTGCTTTAATGAGAATGCAGTTTATGCAGCTGTGGGCTGGGCCTTAC[C>T]TCTCCCGGCACCTCTTCGTAAACCACTTCTTCTGTGTAGTACTGTAAATAGAGCACAAAG-3'
Protein context (NP_001157980.2, residues 16-36): EEVVYEEVPG[Glu26=]TITKIYETTT

ClinVar aggregate classification (germline): Uncertain significance (1 of 4 stars; one submission).

Conditions:
Nemaline myopathy 2 (NEM2). Also called: Nemaline myopathy 2, autosomal recessive. Identifiers: MedGen C1850569, MONDO:0009725, OMIM 256030.

Submission:

Labcorp Genetics (formerly Invitae), Labcorp
Classification: Uncertain significance for Nemaline myopathy 2. Last evaluated: 2017-10-05. Review status: criteria provided, single submitter. Criteria: Invitae Variant Classification Sherloc (09022015). Collection method: clinical testing. Allele origin: germline.
Comment: This sequence change affects codon 26 of the NEB mRNA. It is a 'silent' change, meaning that it does not change the encoded amino acid sequence of the NEB protein. This variant also falls at the last nucleotide of exon 4 of the NEB coding sequence, which is part of the consensus splice site for this exon. Nucleotide substitutions within the consensus splice site are relatively common causes of aberrant splicing (PMID: 17576681, 9536098). This variant is not present in population databases (ExAC no frequency). This variant has not been reported in the literature in individuals with NEB-related disease. Algorithms developed to predict the effect of sequence changes on RNA splicing suggest that this variant may disrupt the consensus splice site, but this prediction has not been confirmed by published transcriptional studies. In summary, the available evidence is currently insufficient to determine the role of this variant in disease. Therefore, it has been classified as a Variant of Uncertain Significance.